The following is an entry in ClinVar:

NM_014365.3(HSPB8):c.541A>T (p.Ser181Cys)

Gene: HSPB8 (heat shock protein family B (small) member 8; plus strand). Cytogenetic location: 12q24.23.
Variant type: single nucleotide variant.
Coding change: c.541A>T on transcript NM_014365.3 (MANE Select); coding-DNA position 541, A replaced by T.
Protein change: p.Ser181Cys; replaces serine 181 with cysteine.
Molecular consequence: missense variant.
Genome position (GRCh38, 1-based): chr12:119,193,808, A>T. VCF-style: chr12-119193808-A-T. GRCh37 (hg19) VCF-style: chr12-119631613-A-T.
Other names: short protein forms S181C.
Identifiers: ClinVar variation 575271 (VCV000575271.6), dbSNP rs760688825, ClinGen allele CA244345300.

ClinVar aggregate classification (germline): Uncertain significance (1 of 4 stars; one submission).

Conditions:
Charcot-Marie-Tooth disease axonal type 2L. Also called: Charcot-Marie-Tooth Neuropathy Type 2L; CHARCOT-MARIE-TOOTH DISEASE, AXONAL, AUTOSOMAL DOMINANT, TYPE 2L; CHARCOT-MARIE-TOOTH NEUROPATHY, AXONAL, TYPE 2L. Identifiers: Orphanet 99945, MedGen C1837552, MONDO:0012096, OMIM 608673.

Allele frequency attached by ClinVar (database versions not stated): gnomAD exomes below 0.00001 and 0.00002.
gnomAD v4.1: 33 of 1,614,196 alleles (0.002%); highest among the groups gnomAD compares: Non-Finnish European, 0.0028%; no homozygotes.

Submission:

Labcorp Genetics (formerly Invitae), Labcorp
Classification: Uncertain significance for Charcot-Marie-Tooth disease axonal type 2L. Last evaluated: 2021-10-30. Review status: criteria provided, single submitter. Criteria: Invitae Variant Classification Sherloc (09022015). Collection method: clinical testing. Allele origin: germline.
Comment: Algorithms developed to predict the effect of missense changes on protein structure and function are either unavailable or do not agree on the potential impact of this missense change (SIFT: "Deleterious"; PolyPhen-2: "Probably Damaging"; Align-GVGD: "Class C0"). ClinVar contains an entry for this variant (Variation ID: 575271). In summary, the available evidence is currently insufficient to determine the role of this variant in disease. Therefore, it has been classified as a Variant of Uncertain Significance. This missense change has been observed in at least one individual who was not affected with HSPB8-related conditions (Invitae). This variant has not been reported in the literature in individuals affected with HSPB8-related conditions. This variant is present in population databases (rs760688825, gnomAD 0.0009%). This sequence change replaces serine, which is neutral and polar, with cysteine, which is neutral and slightly polar, at codon 181 of the HSPB8 protein (p.Ser181Cys).